The following is an entry in ClinVar:

NM_198083.4(DHRS4L2):c.18G>A (p.Leu6=)

Gene: DHRS4L2 (dehydrogenase/reductase 4 like 2; plus strand). Cytogenetic location: 14q11.2.
Variant type: single nucleotide variant.
Coding change: c.18G>A on transcript NM_198083.4 (MANE Select); coding-DNA position 18, G replaced by A.
Protein change: p.Leu6=; no amino-acid change (leucine 6 retained).
Molecular consequence: synonymous variant. On other transcripts: intron variant (3).
Genome position (GRCh38, 1-based): chr14:23,988,965, G>A. VCF-style: chr14-23988965-G-A. GRCh37 (hg19) VCF-style: chr14-24458174-G-A.
Other names: c.-175-1217G>A (NM_001193636.1, NM_001193637.1); c.45-1217G>A (NM_001193635.1).
Identifiers: ClinVar variation 4084663 (VCV004084663.8).

ClinVar aggregate classification (germline): Likely benign (1 of 4 stars; one submission).

gnomAD v4.1: 17 of 1,612,210 alleles (0.0011%); highest among the groups gnomAD compares: Middle Eastern, 0.033%; 1 homozygote.

Submission:

CeGaT Center for Human Genetics Tuebingen
Classification: Likely benign. Last evaluated: 2025-08-01. Review status: criteria provided, single submitter. Criteria: CeGaT Center For Human Genetics Tuebingen Variant Classification Criteria Version 2. Collection method: clinical testing. Allele origin: germline. Affected: yes. Observed: 1 variant allele.
Comment: DHRS4L2: BP4, BP7